The following is an entry in ClinVar:

ClinVar aggregate classification (germline): Uncertain significance. Review status: criteria provided, multiple submitters, no conflicts (2 of 4 stars). 2 submissions from 2 submitters: Uncertain significance (2). Last evaluated 2026-09-02.

Conditions:
WFS1-related disorder. Identifiers: MedGen CN379391, MONDO:0700293.

Allele frequency attached by ClinVar (database versions not stated): ExAC 0.00002; gnomAD 0.00002; TOPMed 0.00005; gnomAD exomes 0.00007; ESP Exome Variant Server 0.00008.
gnomAD v4.1: 99 of 1,612,580 alleles (0.0061%); highest among the groups gnomAD compares: Non-Finnish European, 0.0074%; no homozygotes.

Submissions (2):

PreventionGenetics, part of Exact Sciences
Classification: Uncertain significance for WFS1-related condition. Last evaluated: 2026-09-02. Review status: criteria provided, single submitter. Criteria: ACMG Guidelines, 2015. Collection method: clinical testing. Allele origin: germline.
Comment: The WFS1 c.2666C>T variant is predicted to result in the amino acid substitution p.Ala889Val. To our knowledge, this variant has not been reported in the literature in association with disease. This variant is reported in 0.013% of alleles in individuals of African descent in gnomAD. At this time, the clinical significance of this variant is uncertain due to the absence of conclusive functional and genetic evidence.

Labcorp Genetics (formerly Invitae), Labcorp
Classification: Uncertain significance. Last evaluated: 2025-12-16. Review status: criteria provided, single submitter. Criteria: Invitae Variant Classification Sherloc (09022015). Collection method: clinical testing. Allele origin: germline.
Comment: This sequence change replaces alanine, which is neutral and non-polar, with valine, which is neutral and non-polar, at codon 889 of the WFS1 protein (p.Ala889Val). This variant is present in population databases (rs147934586, gnomAD 0.01%). This variant has not been reported in the literature in individuals affected with WFS1-related conditions. ClinVar contains an entry for this variant (Variation ID: 2047891). Invitae Evidence Modeling of protein sequence and biophysical properties (such as structural, functional, and spatial information, amino acid conservation, physicochemical variation, residue mobility, and thermodynamic stability) indicates that this missense variant is not expected to disrupt WFS1 protein function with a negative predictive value of 95%. In summary, the available evidence is currently insufficient to determine the role of this variant in disease. Therefore, it has been classified as a Variant of Uncertain Significance.

NM_006005.3(WFS1):c.2666C>T (p.Ala889Val)

Gene: WFS1 (wolframin ER transmembrane glycoprotein; plus strand). Cytogenetic location: 4p16.1.
Variant type: single nucleotide variant.
Coding change: c.2666C>T on transcript NM_006005.3 (MANE Select); coding-DNA position 2666, C replaced by T.
Protein change: p.Ala889Val; replaces alanine 889 with valine.
Molecular consequence: missense variant.
Genome position (GRCh38, 1-based): chr4:6,302,461, C>T. VCF-style: chr4-6302461-C-T. GRCh37 (hg19) VCF-style: chr4-6304188-C-T.
Other names: c.2666C>T, p.Ala889Val (NM_001145853.1); short protein forms A889V.
Identifiers: ClinVar variation 2047891 (VCV002047891.4), dbSNP rs147934586, ClinGen allele CA323493.
Genomic context (GRCh38, chr4:6,302,461, plus strand): 5'-GCACCGTGCATGGCGCCGTGAAGTTCGCCTTCGACTTCTTTTTCTTCCCATTCCTGTCGG[C>T]GGCCTGAGGATGGTCCGCCACGAGGAGCTTCCAGTGCATGTTGCCATGAGGCCTTTCCCC-3'
Protein context (NP_005996.2, residues 879-890): FDFFFFPFLS[Ala889Val]A